The following is an entry in ClinVar:

ClinVar aggregate classification (germline): Uncertain significance (1 of 4 stars; one submission).

Submission:

Ambry Genetics
Classification: Uncertain significance. Last evaluated: 2024-01-14. Review status: criteria provided, single submitter. Criteria: Ambry Variant Classification Scheme 2023. Collection method: clinical testing. Allele origin: germline.
Comment: The p.M333V variant (also known as c.997A>G), located in coding exon 11 of the PRKDC gene, results from an A to G substitution at nucleotide position 997. The methionine at codon 333 is replaced by valine, an amino acid with highly similar properties. This amino acid position is conserved. In addition, this alteration is predicted to be tolerated by in silico analysis. Since supporting evidence is limited at this time, the clinical significance of this alteration remains unclear.

NM_006904.7(PRKDC):c.997A>G (p.Met333Val)

Gene: PRKDC (protein kinase, DNA-activated, catalytic subunit; minus strand). Cytogenetic location: 8q11.21.
Variant type: single nucleotide variant.
Coding change: c.997A>G on transcript NM_006904.7 (MANE Select); coding-DNA position 997, A replaced by G.
Protein change: p.Met333Val; replaces methionine 333 with valine.
Molecular consequence: missense variant.
Genome position (GRCh38, 1-based): chr8:47,939,667, T>C on the plus strand (A>G on the coding strand, the complement: PRKDC is on the minus strand). VCF-style: chr8-47939667-T-C. GRCh37 (hg19) VCF-style: chr8-48852227-T-C.
Other names: c.997A>G, p.Met333Val (NM_001081640.2); short protein forms M333V.
Identifiers: ClinVar variation 3225949 (VCV003225949.1), dbSNP rs2551880155, ClinGen allele CA371166811.